The following is an entry in ClinVar:

ClinVar aggregate classification (germline): Benign/Likely benign. Review status: criteria provided, multiple submitters, no conflicts (2 of 4 stars). 4 submissions from 4 submitters: Benign (1); Likely benign (3). Last evaluated 2025-12-24.

Conditions:
Predisposition to invasive fungal disease due to CARD9 deficiency (IMD103). Also called: CARD9 IMMUNODEFICIENCY; Candidiasis, familial, 2, autosomal recessive; IMMUNODEFICIENCY 103, SUSCEPTIBILITY TO FUNGAL INFECTIONS. Identifiers: Orphanet 457088, MedGen C1859353, MONDO:0008905, OMIM 212050.

Allele frequency attached by ClinVar (database versions not stated): TOPMed 0.00006; gnomAD exomes 0.00036 and 0.00075; ExAC 0.00110; 1000 Genomes Project 0.00140.

Submissions (4):

Labcorp Genetics (formerly Invitae), Labcorp
Classification: Benign for Predisposition to invasive fungal disease due to CARD9 deficiency. Last evaluated: 2025-12-24. Review status: criteria provided, single submitter. Criteria: Invitae Variant Classification Sherloc (09022015). Collection method: clinical testing. Allele origin: germline.

Blueprint Genetics
Classification: Likely benign. Last evaluated: 2024-09-24. Review status: criteria provided, single submitter. Criteria: ACMG Guidelines, 2015. Collection method: clinical testing. Allele origin: germline.

Illumina Laboratory Services, Illumina
Classification: Likely benign for Predisposition to invasive fungal disease due to CARD9 deficiency. Last evaluated: 2018-01-13. Review status: criteria provided, single submitter. Criteria: ICSL Variant Classification Criteria 13 December 2019. Collection method: clinical testing. Allele origin: germline.
Comment: This variant was observed in the ICSL laboratory as part of a predisposition screen in an ostensibly healthy population. It had not been previously curated by ICSL or reported in the Human Gene Mutation Database (HGMD: prior to June 1st, 2018), and was therefore a candidate for classification through an automated scoring system. Utilizing variant allele frequency, disease prevalence and penetrance estimates, and inheritance mode, an automated score was calculated to assess if this variant is too frequent to cause the disease. Based on the score and internal cut-off values, a variant classified as likely benign is not then subjected to further curation. The score for this variant resulted in a classification of likely benign for this disease.

Breakthrough Genomics
Classification: Likely benign. Review status: criteria provided, single submitter. Criteria: ACMG Guidelines, 2015. Collection method: not provided. Allele origin: germline. Inheritance: Autosomal recessive inheritance. Affected: yes.

NM_052813.5(CARD9):c.951+14C>T

Gene: CARD9 (caspase recruitment domain family member 9; minus strand). Cytogenetic location: 9q34.3.
Variant type: single nucleotide variant.
Coding change: c.951+14C>T on transcript NM_052813.5 (MANE Select); 14 bases into the intron after coding-DNA position 951, C replaced by T.
Molecular consequence: intron variant.
Genome position (GRCh38, 1-based): chr9:136,370,280, G>A on the plus strand (C>T on the coding strand, the complement: CARD9 is on the minus strand). VCF-style: chr9-136370280-G-A. GRCh37 (hg19) VCF-style: chr9-139264732-G-A.
Other names: c.951+14C>T (NM_052814.4).
Identifiers: ClinVar variation 913235 (VCV000913235.13), dbSNP rs574158361, ClinGen allele CA5332921.